The following is an entry in ClinVar:

ClinVar aggregate classification (germline): Pathogenic/Likely pathogenic. Review status: criteria provided, multiple submitters, no conflicts (2 of 4 stars). 2 submissions from 2 submitters: Pathogenic (1); Likely pathogenic (1). Last evaluated 2022-04-01.

Conditions:
Developmental and epileptic encephalopathy 94 (DEE94). Also called: Epileptic encephalopathy, childhood-onset; CHD2-Related Neurodevelopmental Disorders. Identifiers: Orphanet 1942, Orphanet 2382, MedGen C3809278, MONDO:0014150, OMIM 615369.

Submissions (2):

GeneDx
Classification: Pathogenic. Last evaluated: 2022-04-01. Review status: criteria provided, single submitter. Criteria: GeneDx Variant Classification Process June 2021. Collection method: clinical testing. Allele origin: germline. Affected: yes.
Comment: Nonsense variant predicted to result in protein truncation or nonsense mediated decay in a gene for which loss-of-function is a known mechanism of disease; Not observed in large population cohorts (gnomAD); Has not been previously published as pathogenic or benign to our knowledge

Department of Human Genetics, Hannover Medical School
Classification: Likely pathogenic for Developmental and epileptic encephalopathy 94. Last evaluated: 2021-12-15. Review status: criteria provided, single submitter. Criteria: ACMG Guidelines, 2015. Collection method: clinical testing. Allele origin: germline. Inheritance: Autosomal dominant inheritance. Affected: yes.

NM_001271.4(CHD2):c.2686C>T (p.Gln896Ter)

Gene: CHD2 (chromodomain helicase DNA binding protein 2; plus strand). Cytogenetic location: 15q26.1.
Variant type: single nucleotide variant.
Coding change: c.2686C>T on transcript NM_001271.4 (MANE Select); coding-DNA position 2686, C replaced by T.
Protein change: p.Gln896Ter; replaces glutamine 896 with a stop codon.
Molecular consequence: nonsense.
Genome position (GRCh38, 1-based): chr15:92,978,342, C>T. VCF-style: chr15-92978342-C-T. GRCh37 (hg19) VCF-style: chr15-93521572-C-T.
Other names: short protein forms Q896*.
Identifiers: ClinVar variation 1675262 (VCV001675262.3), dbSNP rs2141843235, ClinGen allele CA393893890.
Genomic context (GRCh38, chr15:92,978,342, plus strand): 5'-TTGGCTTCAGCGGACACAGTCGTCATCTTTGACTCTGACTGGAACCCCCAGAATGACTTG[C>T]AGGCACAAGCCCGAGCGCATAGAATTGGTCAAAAGAAGCAGGTCAGTATGGAGAGGCTTC-3'